The following is an entry in ClinVar:

ClinVar aggregate classification (germline): Uncertain significance (1 of 4 stars; one submission).

gnomAD v4.1: 3 of 1,206,687 alleles (0.00025%); highest among the groups gnomAD compares: Non-Finnish European, 0.00034%; no homozygotes.

Submission:

GeneDx
Classification: Uncertain significance. Last evaluated: 2025-03-12. Review status: criteria provided, single submitter. Criteria: GeneDx Variant Classification Process June 2021. Collection method: clinical testing. Allele origin: germline. Affected: yes.
Comment: Not observed at significant frequency in large population cohorts (gnomAD); In silico analysis supports that this missense variant has a deleterious effect on protein structure/function; Has not been previously published as pathogenic or benign to our knowledge

NM_031407.7(HUWE1):c.2507A>G (p.His836Arg)

Gene: HUWE1 (HECT, UBA and WWE domain containing E3 ubiquitin protein ligase 1; minus strand). Cytogenetic location: Xp11.22.
Variant type: single nucleotide variant.
Coding change: c.2507A>G on transcript NM_031407.7 (MANE Select); coding-DNA position 2507, A replaced by G.
Protein change: p.His836Arg; replaces histidine 836 with arginine.
Molecular consequence: missense variant.
Genome position (GRCh38, 1-based): chrX:53,604,824, T>C on the plus strand (A>G on the coding strand, the complement: HUWE1 is on the minus strand). VCF-style: chrX-53604824-T-C. GRCh37 (hg19) VCF-style: chrX-53631785-T-C.
Other names: c.2507A>G, p.His836Arg (NM_001441048.1, NM_001441049.1, NM_001441051.1 and 6 more transcripts); c.2528A>G, p.His843Arg (NM_001441050.1, NM_001441055.1); short protein forms H836R, H843R.
Identifiers: ClinVar variation 4083064 (VCV004083064.1).